The following is an entry in ClinVar:

ClinVar aggregate classification (germline): Uncertain significance (1 of 4 stars; one submission).

Allele frequency attached by ClinVar (database versions not stated): gnomAD exomes below 0.00001; TOPMed below 0.00001; gnomAD 0.00001.
gnomAD v4.1: 3 of 1,613,978 alleles (0.00019%); highest among the groups gnomAD compares: African/African-American, 0.004%; no homozygotes.

Submission:

Labcorp Genetics (formerly Invitae), Labcorp
Classification: Uncertain significance. Last evaluated: 2022-09-04. Review status: criteria provided, single submitter. Criteria: Invitae Variant Classification Sherloc (09022015). Collection method: clinical testing. Allele origin: germline.
Comment: In summary, the available evidence is currently insufficient to determine the role of this variant in disease. Therefore, it has been classified as a Variant of Uncertain Significance. Algorithms developed to predict the effect of missense changes on protein structure and function (SIFT, PolyPhen-2, Align-GVGD) all suggest that this variant is likely to be tolerated. This variant has not been reported in the literature in individuals affected with RNF13-related conditions. This variant is not present in population databases (gnomAD no frequency). This sequence change replaces alanine, which is neutral and non-polar, with glycine, which is neutral and non-polar, at codon 354 of the RNF13 protein (p.Ala354Gly).

NM_183381.3(RNF13):c.1061C>G (p.Ala354Gly)

Gene: RNF13 (ring finger protein 13; plus strand). Cytogenetic location: 3q25.1.
Variant type: single nucleotide variant.
Coding change: c.1061C>G on transcript NM_183381.3 (MANE Select); coding-DNA position 1061, C replaced by G.
Protein change: p.Ala354Gly; replaces alanine 354 with glycine.
Molecular consequence: missense variant. On other transcripts: non-coding transcript variant (1).
Genome position (GRCh38, 1-based): chr3:149,961,019, C>G. VCF-style: chr3-149961019-C-G. GRCh37 (hg19) VCF-style: chr3-149678806-C-G.
Other names: c.1061C>G, p.Ala354Gly (NM_001378285.1, NM_001378286.1, NM_007282.4); c.704C>G, p.Ala235Gly (NM_001378287.1, NM_001378288.1, NM_001378289.1 and 2 more transcripts); c.668C>G, p.Ala223Gly (NM_001378291.1); short protein forms A223G, A235G, A354G.
Identifiers: ClinVar variation 1977363 (VCV001977363.5), dbSNP rs867098319, ClinGen allele CA354936270.